The following is an entry in ClinVar:

ClinVar aggregate classification (germline): Pathogenic. Review status: criteria provided, multiple submitters, no conflicts (2 of 4 stars). 3 submissions from 3 submitters: Pathogenic (3). Last evaluated 2023-07-18.

Conditions:
Breast-ovarian cancer, familial, susceptibility to, 1 (BROVCA1). Also called: BRCA1 Hereditary Breast and Ovarian Cancer; OVARIAN CANCER, SUSCEPTIBILITY TO. Identifiers: Orphanet 145, MedGen C2676676, MONDO:0011450, OMIM 604370. Disease mechanism: loss of function.
Hereditary cancer-predisposing syndrome. Also called: Tumor predisposition; Hereditary Cancer Syndrome; Hereditary neoplastic syndrome; Neoplastic Syndromes, Hereditary. Identifiers: Orphanet 140162, MedGen C0027672, MeSH D009386, MONDO:0015356.

Submissions (3):

Myriad Genetics, Inc.
Classification: Pathogenic for Breast-ovarian cancer, familial, susceptibility to, 1. Last evaluated: 2023-07-18. Review status: criteria provided, single submitter. Criteria: Myriad Autosomal Dominant, Autosomal Recessive and X-Linked Classification Criteria (2023). Collection method: clinical testing. Allele origin: unknown.
Comment: This variant is considered pathogenic. This variant creates a frameshift predicted to result in premature protein truncation.

Color Diagnostics, LLC DBA Color Health
Classification: Pathogenic for Hereditary cancer-predisposing syndrome. Last evaluated: 2023-02-07. Review status: criteria provided, single submitter. Criteria: ACMG Guidelines, 2015. Collection method: clinical testing. Allele origin: germline.
Comment: This variant deletes 1 nucleotide in exon 10 of the BRCA1 gene, creating a frameshift and premature translation stop signal. This variant is expected to result in an absent or non-functional protein product. To our knowledge, this variant has not been reported in individuals affected with BRCA1-related disorders in the literature. This variant has not been identified in the general population by the Genome Aggregation Database (gnomAD). Loss of BRCA1 function is a known mechanism of disease. Based on the available evidence, this variant is classified as Pathogenic.

Ambry Genetics
Classification: Pathogenic for Hereditary cancer-predisposing syndrome. Last evaluated: 2022-03-08. Review status: criteria provided, single submitter. Criteria: Ambry Variant Classification Scheme 2023. Collection method: clinical testing. Allele origin: germline.
Comment: The c.1987delA pathogenic mutation, located in coding exon 9 of the BRCA1 gene, results from a deletion of one nucleotide at nucleotide position 1987, causing a translational frameshift with a predicted alternate stop codon (p.S663Afs*38). This variant is considered to be rare based on population cohorts in the Genome Aggregation Database (gnomAD). This alteration is expected to result in loss of function by premature protein truncation or nonsense-mediated mRNA decay. As such, this alteration is interpreted as a disease-causing mutation.

NM_007294.4(BRCA1):c.1987del (p.Ser663fs)

Gene: BRCA1 (BRCA1 DNA repair associated; minus strand). Cytogenetic location: 17q21.31.
Variant type: Deletion.
Coding change: c.1987del on transcript NM_007294.4 (MANE Select); coding-DNA position 1987, one base deleted (A; older notation c.1987delA).
Protein change: p.Ser663fs; shifts the reading frame from serine 663.
Molecular consequence: frameshift variant. On other transcripts: intron variant (137).
Genome position (GRCh38, 1-based): chr17:43,093,544, T deleted on the plus strand (A on the coding strand, the reverse complement: BRCA1 is on the minus strand). VCF-style (leftmost placement, unchanged base first): chr17-43093543-CT-C. GRCh37 (hg19) VCF-style: chr17-41245560-CT-C.
Other names: c.1777del, p.Ser593fs (NM_001407885.1, NM_001407886.1, NM_001407887.1 and 13 more transcripts); c.1774del, p.Ser592fs (NM_001407571.1, NM_001407894.1, NM_001407895.1 and 9 more transcripts); c.1987del, p.Ser663fs (NM_001407581.1, NM_001407582.1, NM_001407583.1 and 30 more transcripts); c.1984del, p.Ser662fs (NM_001407587.1, NM_001407590.1, NM_001407591.1 and 22 more transcripts); c.1864del, p.Ser622fs (NM_001407919.1, NM_001407937.1, NM_001407938.1 and 19 more transcripts); c.1723del, p.Ser575fs (NM_001407920.1, NM_001407921.1, NM_001407922.1 and 9 more transcripts); c.1720del, p.Ser574fs (NM_001407930.1, NM_001407931.1, NM_001407932.1 and 2 more transcripts); c.1861del, p.Ser621fs (NM_001407940.1, NM_001407941.1, NM_001407649.1 and 11 more transcripts); and 40 more; short protein forms S616fs, S663fs, S622fs, S495fs, S535fs, S552fs, S595fs, S596fs.
Identifiers: ClinVar variation 1783887 (VCV001783887.5), dbSNP rs2552195584, ClinGen allele CA2580094103.
Genomic context (GRCh38, chr17:43,093,543, plus strand): 5'-TTGTTACTCTTCTTGGCTCCAGTTGCAGGTTCTTTACCTTCCATGAGTTGTAGGTTTCTG[CT>C]GTGCCTGACTGGCATTTGGTTGTACTTTTTTTTCTTTATCTCTTCACTGCTAGAACAACT-3'